The following is an entry in ClinVar:

ClinVar aggregate classification (germline): Pathogenic (1 of 4 stars; one submission).

Conditions:
Ataxia-telangiectasia syndrome (AT). Also called: Ataxia-telangiectasia, complementation group E; Ataxia telangiectasia (A-T); LOUIS-BAR SYNDROME; Ataxia-telangiectasia, complementation group D; AT, COMPLEMENTATION GROUP C; Ataxia-telangiectasia. Identifiers: Orphanet 100, MedGen C0004135, MONDO:0008840, OMIM 208900.

Submission:

Labcorp Genetics (formerly Invitae), Labcorp
Classification: Pathogenic for Ataxia-telangiectasia syndrome. Last evaluated: 2019-03-19. Review status: criteria provided, single submitter. Criteria: Invitae Variant Classification Sherloc (09022015). Collection method: clinical testing. Allele origin: germline.
Comment: For these reasons, this variant has been classified as Pathogenic. Loss-of-function variants in ATM are known to be pathogenic (PMID: 23807571, 25614872). This variant has not been reported in the literature in individuals with ATM-related conditions. This variant is an out-of-frame deletion of the genomic region encompassing exons 9-22 of the ATM gene. This is expected to create a premature translational stop signal and result in an absent or disrupted protein product.

Literature cited by the submitters: PubMed 23807571; PubMed 25614872.

NC_000011.10:g.(?_108248923)_(108272862_?)del

Gene: ATM (ATM serine/threonine kinase; plus strand). Cytogenetic location: 11q22.3.
Variant type: Deletion.
Identifiers: ClinVar variation 832184 (VCV000832184.5).